The following is an entry in ClinVar:

ClinVar aggregate classification (germline): Conflicting classifications of pathogenicity. Review status: criteria provided, conflicting classifications (1 of 4 stars). 5 submissions from 5 submitters: Uncertain significance (2); Benign (1). 2 of the submissions do not count toward it. Last evaluated 2024-11-11.

Conditions:
Bardet-Biedl syndrome 2 (BBS2). Identifiers: Orphanet 110, MedGen C2936863, MONDO:0014432, OMIM 615981.
Retinitis pigmentosa 74 (RP74). Identifiers: Orphanet 791, MedGen C4225281, MONDO:0014692, OMIM 616562.
Bardet-Biedl syndrome (BBS). Identifiers: Orphanet 110, MedGen C0752166, MONDO:0015229.
BBS2-related disorder. Also called: BBS2-related disorders; BBS2-related condition. Identifiers: MedGen CN239228.

Allele frequency attached by ClinVar (database versions not stated): ESP Exome Variant Server 0.00008; gnomAD 0.00011 and 0.00012; ExAC 0.00012; gnomAD exomes 0.00013 and 0.00021; TOPMed 0.00013.
gnomAD v4.1: 221 of 1,614,076 alleles (0.014%); highest among the groups gnomAD compares: Middle Eastern, 0.049%; no homozygotes.

Submissions (5):

Labcorp Genetics (formerly Invitae), Labcorp
Classification: Uncertain significance for Bardet-Biedl syndrome. Last evaluated: 2024-11-11. Review status: criteria provided, single submitter. Criteria: Invitae Variant Classification Sherloc (09022015). Collection method: clinical testing. Allele origin: germline.
Comment: This sequence change replaces threonine, which is neutral and polar, with methionine, which is neutral and non-polar, at codon 386 of the BBS2 protein (p.Thr386Met). This variant is present in population databases (rs138314289, gnomAD 0.1%). This variant has not been reported in the literature in individuals affected with BBS2-related conditions. ClinVar contains an entry for this variant (Variation ID: 966180). Invitae Evidence Modeling of protein sequence and biophysical properties (such as structural, functional, and spatial information, amino acid conservation, physicochemical variation, residue mobility, and thermodynamic stability) indicates that this missense variant is not expected to disrupt BBS2 protein function with a negative predictive value of 80%. In summary, the available evidence is currently insufficient to determine the role of this variant in disease. Therefore, it has been classified as a Variant of Uncertain Significance.

Blueprint Genetics
Classification: Benign. Last evaluated: 2024-07-03. Review status: criteria provided, single submitter. Criteria: ACMG Guidelines, 2015. Collection method: clinical testing. Allele origin: germline.

Fulgent Genetics
Classification: Uncertain significance for Bardet-Biedl syndrome 2; Retinitis pigmentosa 74. Last evaluated: 2022-04-15. Review status: criteria provided, single submitter. Criteria: ACMG Guidelines, 2015. Collection method: clinical testing. Allele origin: unknown.

Natera, Inc.
Classification: Likely benign for Bardet-Biedl syndrome type 2. Last evaluated: 2020-09-03. Review status: no assertion criteria provided. Collection method: clinical testing. Allele origin: germline. Not counted in ClinVar's aggregate classification.

PreventionGenetics, part of Exact Sciences
Classification: Likely benign for BBS2-related condition. Last evaluated: 2020-07-10. Review status: no assertion criteria provided. Collection method: clinical testing. Allele origin: germline. Not counted in ClinVar's aggregate classification.
Comment: This variant is classified as likely benign based on ACMG/AMP sequence variant interpretation guidelines (Richards et al. 2015 PMID: 25741868, with internal and published modifications).

NM_031885.5(BBS2):c.1157C>T (p.Thr386Met)

Gene: BBS2 (Bardet-Biedl syndrome 2; minus strand). Cytogenetic location: 16q13.
Variant type: single nucleotide variant.
Coding change: c.1157C>T on transcript NM_031885.5 (MANE Select); coding-DNA position 1157, C replaced by T.
Protein change: p.Thr386Met; replaces threonine 386 with methionine.
Molecular consequence: missense variant. On other transcripts: non-coding transcript variant (5).
Genome position (GRCh38, 1-based): chr16:56,501,421, G>A on the plus strand (C>T on the coding strand, the complement: BBS2 is on the minus strand). VCF-style: chr16-56501421-G-A. GRCh37 (hg19) VCF-style: chr16-56535333-G-A.
Other names: c.1157C>T, p.Thr386Met (NM_001377456.1); short protein forms T386M.
Identifiers: ClinVar variation 966180 (VCV000966180.8), dbSNP rs138314289, ClinGen allele CA8065818.